The following is an entry in ClinVar:

ClinVar aggregate classification (germline): Uncertain significance (1 of 4 stars; one submission).

gnomAD v4.1: 6 of 1,247,074 alleles (0.00048%); highest among the groups gnomAD compares: African/African-American, 0.0093%; no homozygotes.

Submission:

Labcorp Genetics (formerly Invitae), Labcorp
Classification: Uncertain significance. Last evaluated: 2024-06-04. Review status: criteria provided, single submitter. Criteria: Invitae Variant Classification Sherloc (09022015). Collection method: clinical testing. Allele origin: germline.
Comment: This sequence change replaces tryptophan, which is neutral and slightly polar, with cysteine, which is neutral and slightly polar, at codon 101 of the KMT2B protein (p.Trp101Cys). This variant is not present in population databases (gnomAD no frequency). This variant has not been reported in the literature in individuals affected with KMT2B-related conditions. Advanced modeling of protein sequence and biophysical properties (such as structural, functional, and spatial information, amino acid conservation, physicochemical variation, residue mobility, and thermodynamic stability) has been performed at Invitae for this missense variant, however the output from this modeling did not meet the statistical confidence thresholds required to predict the impact of this variant on KMT2B protein function. In summary, the available evidence is currently insufficient to determine the role of this variant in disease. Therefore, it has been classified as a Variant of Uncertain Significance.

NM_014727.3(KMT2B):c.303G>C (p.Trp101Cys)

Gene: KMT2B (lysine methyltransferase 2B; plus strand). Cytogenetic location: 19q13.12.
Variant type: single nucleotide variant.
Coding change: c.303G>C on transcript NM_014727.3 (MANE Select); coding-DNA position 303, G replaced by C.
Protein change: p.Trp101Cys; replaces tryptophan 101 with cysteine.
Molecular consequence: missense variant.
Genome position (GRCh38, 1-based): chr19:35,718,321, G>C. VCF-style: chr19-35718321-G-C. GRCh37 (hg19) VCF-style: chr19-36209223-G-C.
Other names: short protein forms W101C.
Identifiers: ClinVar variation 3612284 (VCV003612284.2).